The following is an entry in ClinVar:

ClinVar aggregate classification (germline): Benign. Review status: criteria provided, multiple submitters, no conflicts (2 of 4 stars). 7 submissions from 7 submitters: Benign (6). 1 of the submissions does not count toward it. Last evaluated 2026-02-03.

Conditions:
D-2-hydroxyglutaric aciduria 1 (D2HGA1). Identifiers: Orphanet 79315, MedGen C3152055, MONDO:0024554, OMIM 600721.

Allele frequency attached by ClinVar (database versions not stated): 1000 Genomes Project 0.56470; ESP Exome Variant Server 0.56486; 1000 Genomes Project 30x 0.57214; TOPMed 0.57471.
gnomAD v4.1: 758,993 of 1,608,508 alleles (47%); highest among the groups gnomAD compares: African/African-American, 80%; 184,997 homozygotes.

Submissions (7):

Labcorp Genetics (formerly Invitae), Labcorp
Classification: Benign for D-2-hydroxyglutaric aciduria 1. Last evaluated: 2026-02-03. Review status: criteria provided, single submitter. Criteria: Invitae Variant Classification Sherloc (09022015). Collection method: clinical testing. Allele origin: germline.

Blueprint Genetics
Classification: Benign. Last evaluated: 2024-11-26. Review status: criteria provided, single submitter. Criteria: ACMG Guidelines, 2015. Collection method: clinical testing. Allele origin: germline.

Genome-Nilou Lab
Classification: Benign for D-2-hydroxyglutaric aciduria 1. Last evaluated: 2021-07-30. Review status: criteria provided, single submitter. Criteria: ACMG Guidelines, 2015. Collection method: clinical testing. Allele origin: germline. Affected: no.

GeneDx
Classification: Benign. Last evaluated: 2021-05-11. Review status: criteria provided, single submitter. Criteria: GeneDx Variant Classification Process June 2021. Collection method: clinical testing. Allele origin: germline. Affected: yes.

Mayo Clinic Laboratories, Mayo Clinic
Classification: Benign. Last evaluated: 2021-04-07. Review status: criteria provided, single submitter. Criteria: ACMG Guidelines, 2015. Collection method: clinical testing. Allele origin: germline. Observed: 8 variant alleles.

Breakthrough Genomics
Classification: Benign. Review status: criteria provided, single submitter. Criteria: ACMG Guidelines, 2015. Collection method: not provided. Allele origin: germline. Inheritance: Autosomal recessive inheritance. Affected: yes.

Genetic Services Laboratory, University of Chicago
Classification: Likely benign. Review status: no assertion criteria provided. Collection method: clinical testing. Allele origin: germline. Inheritance: Autosomal recessive inheritance. Not counted in ClinVar's aggregate classification.
Comment: Likely benign based on allele frequency in 1000 Genomes Project or ESP global frequency and its presence in a patient with a rare or unrelated disease phenotype. NOT Sanger confirmed

NM_152783.5(D2HGDH):c.293-18A>G

Gene: D2HGDH (D-2-hydroxyglutarate dehydrogenase; plus strand). Cytogenetic location: 2q37.3.
Variant type: single nucleotide variant.
Coding change: c.293-18A>G on transcript NM_152783.5 (MANE Select); 18 bases into the intron before coding-DNA position 293, A replaced by G.
Molecular consequence: intron variant.
Genome position (GRCh38, 1-based): chr2:241,741,015, A>G. VCF-style: chr2-241741015-A-G. GRCh37 (hg19) VCF-style: chr2-242680430-A-G.
Other names: p.?; c.-252-18A>G (NM_001352824.2); c.-110-18A>G (NM_001287249.2).
Identifiers: ClinVar variation 158417 (VCV000158417.22), dbSNP rs4073889, ClinGen allele CA171835.